The following is an entry in ClinVar:

NM_002439.5(MSH3):c.2330T>C (p.Val777Ala)

Gene: MSH3 (mutS homolog 3; plus strand). Cytogenetic location: 5q14.1.
Variant type: single nucleotide variant.
Coding change: c.2330T>C on transcript NM_002439.5 (MANE Select); coding-DNA position 2330, T replaced by C.
Protein change: p.Val777Ala; replaces valine 777 with alanine.
Molecular consequence: missense variant.
Genome position (GRCh38, 1-based): chr5:80,778,731, T>C. VCF-style: chr5-80778731-T-C. GRCh37 (hg19) VCF-style: chr5-80074550-T-C.
Other names: short protein forms V777A.
Identifiers: ClinVar variation 4655053 (VCV004655053.1).

ClinVar aggregate classification (germline): Uncertain significance (1 of 4 stars; one submission).

Conditions:
Hereditary cancer-predisposing syndrome. Also called: Neoplastic Syndromes, Hereditary; Tumor predisposition; Hereditary Cancer Syndrome; Hereditary neoplastic syndrome. Identifiers: Orphanet 140162, MedGen C0027672, MeSH D009386, MONDO:0015356.

Submission:

Ambry Genetics
Classification: Uncertain significance for Hereditary cancer-predisposing syndrome. Last evaluated: 2025-12-11. Review status: criteria provided, single submitter. Criteria: Ambry Variant Classification Scheme 2023. Collection method: clinical testing. Allele origin: germline.
Comment: The p.V777A variant (also known as c.2330T>C), located in coding exon 17 of the MSH3 gene, results from a T to C substitution at nucleotide position 2330. The valine at codon 777 is replaced by alanine, an amino acid with similar properties. This amino acid position is conserved. In addition, the in silico prediction for this alteration is inconclusive. Based on the available evidence, the clinical significance of this variant remains unclear.